The following is an entry in ClinVar:

NM_015425.6(POLR1A):c.340C>T (p.Arg114Trp)

Gene: POLR1A (RNA polymerase I subunit A; minus strand). Cytogenetic location: 2p11.2.
Variant type: single nucleotide variant.
Coding change: c.340C>T on transcript NM_015425.6 (MANE Select); coding-DNA position 340, C replaced by T.
Protein change: p.Arg114Trp; replaces arginine 114 with tryptophan.
Molecular consequence: missense variant.
Genome position (GRCh38, 1-based): chr2:86,098,703, G>A on the plus strand (C>T on the coding strand, the complement: POLR1A is on the minus strand). VCF-style: chr2-86098703-G-A. GRCh37 (hg19) VCF-style: chr2-86325826-G-A.
Other names: c.340C>T (NM_015425.3); short protein forms R114W.
Identifiers: ClinVar variation 2418225 (VCV002418225.8), dbSNP rs765165345, ClinGen allele CA1746689.
Genomic context (GRCh38, chr2:86,098,703, plus strand): 5'-CTTGTAGGGCCCCGACTTCCAGAACCCTCAGCTGGCAGAGTAAGAGGTGAATCACGGCCC[G>A]GGGACAAGTCAGCATGTGGCAGTTTAAACAAGAGCCCCGAAGCAGCAGGTACAGCTTCTG-3'
Protein context (NP_056240.2, residues 104-124): CLNCHMLTCP[Arg114Trp]AVIHLLLCQL

ClinVar aggregate classification (germline): Uncertain significance. Review status: criteria provided, multiple submitters, no conflicts (2 of 4 stars). 3 submissions from 3 submitters: Uncertain significance (3). Last evaluated 2025-10-23.

Conditions:
Inborn genetic diseases. Identifiers: MedGen C0950123, MeSH D030342.

Allele frequency attached by ClinVar (database versions not stated): ExAC 0.00001; gnomAD exomes 0.00001; TOPMed 0.00001.

Submissions (3):

Women's Health and Genetics/Laboratory Corporation of America, LabCorp
Classification: Uncertain significance. Last evaluated: 2025-10-23. Review status: criteria provided, single submitter. Criteria: LabCorp Variant Classification Summary - May 2015. Collection method: clinical testing. Allele origin: germline.
Comment: Variant summary: POLR1A c.340C>T (p.Arg114Trp) results in a non-conservative amino acid change in the encoded protein sequence. Algorithms developed to predict the effect of missense changes on protein structure and function are either unavailable or do not agree on the potential impact of this missense change. The variant allele was found at a frequency of 1.6e-05 in 249220 control chromosomes. The available data on variant occurrences in the general population are insufficient to allow any conclusion about variant significance. To our knowledge, no occurrence of c.340C>T in individuals affected with POLR1A-related conditions and no experimental evidence demonstrating its impact on protein function have been reported. ClinVar contains an entry for this variant (Variation ID: 2418225). Based on the evidence outlined above, the variant was classified as uncertain significance.

Ambry Genetics
Classification: Uncertain significance for Inborn genetic diseases. Last evaluated: 2024-12-17. Review status: criteria provided, single submitter. Criteria: Ambry Variant Classification Scheme 2023. Collection method: clinical testing. Allele origin: germline.

Labcorp Genetics (formerly Invitae), Labcorp
Classification: Uncertain significance. Last evaluated: 2023-12-02. Review status: criteria provided, single submitter. Criteria: Invitae Variant Classification Sherloc (09022015). Collection method: clinical testing. Allele origin: germline.
Comment: This sequence change replaces arginine, which is basic and polar, with tryptophan, which is neutral and slightly polar, at codon 114 of the POLR1A protein (p.Arg114Trp). This variant is present in population databases (rs765165345, gnomAD 0.003%). This variant has not been reported in the literature in individuals affected with POLR1A-related conditions. ClinVar contains an entry for this variant (Variation ID: 2418225). Advanced modeling of protein sequence and biophysical properties (such as structural, functional, and spatial information, amino acid conservation, physicochemical variation, residue mobility, and thermodynamic stability) performed at Invitae indicates that this missense variant is expected to disrupt POLR1A protein function with a positive predictive value of 80%. In summary, the available evidence is currently insufficient to determine the role of this variant in disease. Therefore, it has been classified as a Variant of Uncertain Significance.